The following is an entry in ClinVar:

ClinVar aggregate classification (germline): Likely benign. Review status: criteria provided, multiple submitters, no conflicts (2 of 4 stars). 2 submissions from 2 submitters: Likely benign (2). Last evaluated 2023-11-23.

Allele frequency attached by ClinVar (database versions not stated): gnomAD exomes 0.00007; ExAC 0.00066; gnomAD 0.00098; TOPMed 0.00115; 1000 Genomes Project 0.00220; 1000 Genomes Project 30x 0.00234.
gnomAD v4.1: 237 of 1,255,354 alleles (0.019%); highest among the groups gnomAD compares: African/African-American, 0.32%; 1 homozygote.

Submissions (2):

Blueprint Genetics
Classification: Likely benign. Last evaluated: 2023-11-23. Review status: criteria provided, single submitter. Criteria: ACMG Guidelines, 2015. Collection method: clinical testing. Allele origin: germline.

CeGaT Center for Human Genetics Tuebingen
Classification: Likely benign. Last evaluated: 2023-04-01. Review status: criteria provided, single submitter. Criteria: CeGaT Center For Human Genetics Tuebingen Variant Classification Criteria Version 2. Collection method: clinical testing. Allele origin: germline. Affected: yes. Observed: 1 variant allele.
Comment: ATAD3A: BP4, BP7

NM_001170535.3(ATAD3A):c.39T>A (p.Gly13=)

Gene: ATAD3A (ATPase family AAA domain containing 3A; plus strand). Cytogenetic location: 1p36.33.
Variant type: single nucleotide variant.
Coding change: c.39T>A on transcript NM_001170535.3 (MANE Select); coding-DNA position 39, T replaced by A.
Protein change: p.Gly13=; no amino-acid change (glycine 13 retained).
Molecular consequence: synonymous variant.
Genome position (GRCh38, 1-based): chr1:1,512,307, T>A. VCF-style: chr1-1512307-T-A. GRCh37 (hg19) VCF-style: chr1-1447687-T-A.
Other names: c.39T>A, p.Gly13= (NM_018188.5).
Identifiers: ClinVar variation 2638020 (VCV002638020.25), dbSNP rs556239318, ClinGen allele CA525585.